The following is an entry in ClinVar:

ClinVar aggregate classification (germline): Uncertain significance (1 of 4 stars; one submission).

Conditions:
Cardiovascular phenotype. Identifiers: MedGen CN230736.

gnomAD v4.1: 1 of 1,613,914 alleles (0.000062%); highest among the groups gnomAD compares: Non-Finnish European, 0.000085%; no homozygotes.

Submission:

Ambry Genetics
Classification: Uncertain significance for Cardiovascular phenotype. Last evaluated: 2025-06-05. Review status: criteria provided, single submitter. Criteria: Ambry Variant Classification Scheme 2023. Collection method: clinical testing. Allele origin: germline.
Comment: The p.R1150P variant (also known as c.3449G>C), located in coding exon 21 of the FLNC gene, results from a G to C substitution at nucleotide position 3449. The arginine at codon 1150 is replaced by proline, an amino acid with dissimilar properties. This amino acid position is not well conserved in available vertebrate species. In addition, the in silico prediction for this alteration is inconclusive. Based on the available evidence, the clinical significance of this variant remains unclear.

NM_001458.5(FLNC):c.3449G>C (p.Arg1150Pro)

Gene: FLNC (filamin C; plus strand). Cytogenetic location: 7q32.1.
Variant type: single nucleotide variant.
Coding change: c.3449G>C on transcript NM_001458.5 (MANE Select); coding-DNA position 3449, G replaced by C.
Protein change: p.Arg1150Pro; replaces arginine 1150 with proline.
Molecular consequence: missense variant.
Genome position (GRCh38, 1-based): chr7:128,844,914, G>C. VCF-style: chr7-128844914-G-C. GRCh37 (hg19) VCF-style: chr7-128484968-G-C.
Other names: c.3449G>C, p.Arg1150Pro (NM_001127487.2); short protein forms R1150P.
Identifiers: ClinVar variation 4025595 (VCV004025595.1).